The following is an entry in ClinVar:

NM_004715.5(CTDP1):c.2150G>A (p.Arg717His)

Gene: CTDP1 (CTD phosphatase subunit 1; plus strand). Cytogenetic location: 18q23.
Variant type: single nucleotide variant.
Coding change: c.2150G>A on transcript NM_004715.5 (MANE Select); coding-DNA position 2150, G replaced by A.
Protein change: p.Arg717His; replaces arginine 717 with histidine.
Molecular consequence: missense variant.
Genome position (GRCh38, 1-based): chr18:79,717,616, G>A. VCF-style: chr18-79717616-G-A. GRCh37 (hg19) VCF-style: chr18-77477616-G-A.
Other names: c.1793G>A, p.Arg598His (NM_001202504.1); c.2150G>A, p.Arg717His (NM_001318511.2, NM_048368.4); short protein forms R598H, R717H.
Identifiers: ClinVar variation 2012283 (VCV002012283.4), dbSNP rs752099626, ClinGen allele CA9010474.

ClinVar aggregate classification (germline): Uncertain significance (1 of 4 stars; one submission).

Allele frequency attached by ClinVar (database versions not stated): gnomAD exomes below 0.00001; gnomAD 0.00001; ExAC 0.00002.
gnomAD v4.1: 5 of 1,613,864 alleles (0.00031%); highest among the groups gnomAD compares: Non-Finnish European, 0.00042%; no homozygotes.

Submission:

Labcorp Genetics (formerly Invitae), Labcorp
Classification: Uncertain significance. Last evaluated: 2022-09-01. Review status: criteria provided, single submitter. Criteria: Invitae Variant Classification Sherloc (09022015). Collection method: clinical testing. Allele origin: germline.
Comment: This variant is present in population databases (rs752099626, gnomAD 0.005%). This sequence change replaces arginine, which is basic and polar, with histidine, which is basic and polar, at codon 717 of the CTDP1 protein (p.Arg717His). This variant has not been reported in the literature in individuals affected with CTDP1-related conditions. Algorithms developed to predict the effect of missense changes on protein structure and function are either unavailable or do not agree on the potential impact of this missense change (SIFT: "Deleterious"; PolyPhen-2: "Possibly Damaging"; Align-GVGD: "Class C0"). In summary, the available evidence is currently insufficient to determine the role of this variant in disease. Therefore, it has been classified as a Variant of Uncertain Significance.